The following is an entry in ClinVar:

ClinVar aggregate classification (germline): Likely benign. Review status: criteria provided, multiple submitters, no conflicts (2 of 4 stars). 2 submissions from 2 submitters: Likely benign (2). Last evaluated 2024-10-29.

Allele frequency attached by ClinVar (database versions not stated): gnomAD 0.00001; ExAC 0.00002; gnomAD exomes 0.00002 and 0.00004; TOPMed 0.00002.
gnomAD v4.1: 58 of 1,614,068 alleles (0.0036%); highest among the groups gnomAD compares: East Asian, 0.13%; no homozygotes.

Submissions (2):

Labcorp Genetics (formerly Invitae), Labcorp
Classification: Likely benign. Last evaluated: 2024-10-29. Review status: criteria provided, single submitter. Criteria: Invitae Variant Classification Sherloc (09022015). Collection method: clinical testing. Allele origin: germline.

GeneDx
Classification: Likely benign. Last evaluated: 2017-03-28. Review status: criteria provided, single submitter. Criteria: GeneDx Variant Classification (06012015). Collection method: clinical testing. Allele origin: germline. Affected: yes.
Comment: This variant is considered likely benign or benign based on one or more of the following criteria: it is a conservative change, it occurs at a poorly conserved position in the protein, it is predicted to be benign by multiple in silico algorithms, and/or has population frequency not consistent with disease.

NM_152268.4(PARS2):c.840C>T (p.Ala280=)

Gene: PARS2 (prolyl-tRNA synthetase 2, mitochondrial; minus strand). Cytogenetic location: 1p32.3.
Variant type: single nucleotide variant.
Coding change: c.840C>T on transcript NM_152268.4 (MANE Select); coding-DNA position 840, C replaced by T.
Protein change: p.Ala280=; no amino-acid change (alanine 280 retained).
Molecular consequence: synonymous variant.
Genome position (GRCh38, 1-based): chr1:54,758,322, G>A on the plus strand (C>T on the coding strand, the complement: PARS2 is on the minus strand). VCF-style: chr1-54758322-G-A. GRCh37 (hg19) VCF-style: chr1-55223995-G-A.
Identifiers: ClinVar variation 507989 (VCV000507989.5), dbSNP rs748891985, ClinGen allele CA869398.